The following is an entry in ClinVar:

ClinVar aggregate classification (germline): Uncertain significance. Review status: criteria provided, multiple submitters, no conflicts (2 of 4 stars). 3 submissions from 3 submitters: Uncertain significance (3). Last evaluated 2026-04-24.

Conditions:
Seizures, benign familial infantile, 3 (BFIS3). Also called: Familial neonatal seizures; CONVULSIONS, BENIGN FAMILIAL INFANTILE, 3. Identifiers: Orphanet 140927, Orphanet 306, MedGen C1843140, MONDO:0011904, OMIM 607745.
Developmental and epileptic encephalopathy, 11 (DEE11). Also called: Early infantile epileptic encephalopathy 11. Identifiers: Orphanet 1934, MedGen C3150987, MONDO:0013388, OMIM 613721.

Allele frequency attached by ClinVar (database versions not stated): gnomAD exomes 0.00001 and below 0.00001; TOPMed 0.00001; ESP Exome Variant Server 0.00008; ExAC 0.00001; gnomAD 0.00001.
gnomAD v4.1: 6 of 1,614,080 alleles (0.00037%); highest among the groups gnomAD compares: African/African-American, 0.0067%; no homozygotes.

Submissions (3):

GeneDx
Classification: Uncertain significance. Last evaluated: 2026-04-24. Review status: criteria provided, single submitter. Criteria: GeneDx Variant Classification Process June 2021. Collection method: clinical testing. Allele origin: germline.
Comment: In silico analysis suggests that this missense variant does not alter protein structure/function; Has not been previously published as pathogenic or benign to our knowledge; This substitution is predicted to be in the cytoplasmic loop between the first and second homologous domains

CeGaT Center for Human Genetics Tuebingen
Classification: Uncertain significance. Last evaluated: 2026-01-01. Review status: criteria provided, single submitter. Criteria: CeGaT Center For Human Genetics Tuebingen Variant Classification Criteria Version 2. Collection method: clinical testing. Allele origin: germline. Affected: yes. Observed: 2 variant alleles.
Comment: SCN2A: PM2

Labcorp Genetics (formerly Invitae), Labcorp
Classification: Uncertain significance for Seizures, benign familial infantile, 3; Developmental and epileptic encephalopathy, 11. Last evaluated: 2022-06-27. Review status: criteria provided, single submitter. Criteria: Invitae Variant Classification Sherloc (09022015). Collection method: clinical testing. Allele origin: germline.
Comment: This sequence change replaces lysine, which is basic and polar, with asparagine, which is neutral and polar, at codon 585 of the SCN2A protein (p.Lys585Asn). This variant is present in population databases (rs370685828, gnomAD 0.01%). This variant has not been reported in the literature in individuals affected with SCN2A-related conditions. ClinVar contains an entry for this variant (Variation ID: 374579). Algorithms developed to predict the effect of missense changes on protein structure and function are either unavailable or do not agree on the potential impact of this missense change (SIFT: "Deleterious"; PolyPhen-2: "Possibly Damaging"; Align-GVGD: "Class C0"). In summary, the available evidence is currently insufficient to determine the role of this variant in disease. Therefore, it has been classified as a Variant of Uncertain Significance.

NM_001040142.2(SCN2A):c.1755G>C (p.Lys585Asn)

Gene: SCN2A (sodium voltage-gated channel alpha subunit 2; plus strand). Cytogenetic location: 2q24.3.
Variant type: single nucleotide variant.
Coding change: c.1755G>C on transcript NM_001040142.2 (MANE Select); coding-DNA position 1755, G replaced by C.
Protein change: p.Lys585Asn; replaces lysine 585 with asparagine.
Molecular consequence: missense variant.
Genome position (GRCh38, 1-based): chr2:165,323,239, G>C. VCF-style: chr2-165323239-G-C. GRCh37 (hg19) VCF-style: chr2-166179749-G-C.
Other names: c.1755G>C, p.Lys585Asn (NM_021007.3, NM_001040143.2, NM_001371246.1 and 1 more transcripts); c.1755G>C (NM_021007.2); short protein forms K585N.
Identifiers: ClinVar variation 374579 (VCV000374579.50), dbSNP rs370685828, ClinGen allele CA1939872.